The following is an entry in ClinVar:

NM_001112741.2(KCNC1):c.494C>T (p.Pro165Leu)

Gene: KCNC1 (potassium voltage-gated channel subfamily C member 1; plus strand). Cytogenetic location: 11p15.1.
Variant type: single nucleotide variant.
Coding change: c.494C>T on transcript NM_001112741.2 (MANE Select); coding-DNA position 494, C replaced by T.
Protein change: p.Pro165Leu; replaces proline 165 with leucine.
Molecular consequence: missense variant.
Genome position (GRCh38, 1-based): chr11:17,736,496, C>T. VCF-style: chr11-17736496-C-T. GRCh37 (hg19) VCF-style: chr11-17758043-C-T.
Other names: c.494C>T, p.Pro165Leu (NM_004976.4); short protein forms P165L.
Identifiers: ClinVar variation 475356 (VCV000475356.11), dbSNP rs749790557, ClinGen allele CA5906685.

ClinVar aggregate classification (germline): Conflicting classifications of pathogenicity. Review status: criteria provided, conflicting classifications (1 of 4 stars). 2 submissions from 2 submitters: Uncertain significance (1); Likely benign (1). Last evaluated 2025-09-05.

Conditions:
Inborn genetic diseases. Identifiers: MedGen C0950123, MeSH D030342.
Progressive myoclonic epilepsy type 7. Identifiers: Orphanet 435438, MedGen C4015420, MONDO:0014521, OMIM 616187.

Allele frequency attached by ClinVar (database versions not stated): gnomAD 0.00001; TOPMed 0.00002; gnomAD exomes 0.00003; ExAC 0.00005.
gnomAD v4.1: 11 of 1,593,748 alleles (0.00069%); highest among the groups gnomAD compares: Admixed American, 0.014%; no homozygotes.

Submissions (2):

Labcorp Genetics (formerly Invitae), Labcorp
Classification: Uncertain significance for Progressive myoclonic epilepsy type 7. Last evaluated: 2025-09-05. Review status: criteria provided, single submitter. Criteria: Invitae Variant Classification Sherloc (09022015). Collection method: clinical testing. Allele origin: germline.
Comment: This sequence change replaces proline, which is neutral and non-polar, with leucine, which is neutral and non-polar, at codon 165 of the KCNC1 protein (p.Pro165Leu). This variant is present in population databases (rs749790557, gnomAD 0.02%). This missense change has been observed in individual(s) with clinical features of KCNC1-related conditions (internal data). ClinVar contains an entry for this variant (Variation ID: 475356). Invitae Evidence Modeling of protein sequence and biophysical properties (such as structural, functional, and spatial information, amino acid conservation, physicochemical variation, residue mobility, and thermodynamic stability) indicates that this missense variant is not expected to disrupt KCNC1 protein function with a negative predictive value of 80%. In summary, the available evidence is currently insufficient to determine the role of this variant in disease. Therefore, it has been classified as a Variant of Uncertain Significance.

Ambry Genetics
Classification: Likely benign for Inborn genetic diseases. Last evaluated: 2023-01-26. Review status: criteria provided, single submitter. Criteria: Ambry Variant Classification Scheme 2023. Collection method: clinical testing. Allele origin: germline.